The following is an entry in ClinVar:

ClinVar aggregate classification (germline): Uncertain significance (1 of 4 stars; one submission).

Conditions:
Intellectual developmental disorder, autosomal dominant 1. Also called: MBD5 Haploinsufficiency; Intellectual disability, autosomal dominant 1. Identifiers: Orphanet 228402, MedGen C1969562, MONDO:0007974, OMIM 156200.

Submission:

Labcorp Genetics (formerly Invitae), Labcorp
Classification: Uncertain significance for Intellectual developmental disorder, autosomal dominant 1. Last evaluated: 2024-10-06. Review status: criteria provided, single submitter. Criteria: Invitae Variant Classification Sherloc (09022015). Collection method: clinical testing. Allele origin: germline.
Comment: This sequence change replaces phenylalanine, which is neutral and non-polar, with leucine, which is neutral and non-polar, at codon 1185 of the MBD5 protein (p.Phe1185Leu). This variant is not present in population databases (gnomAD no frequency). This variant has not been reported in the literature in individuals affected with MBD5-related conditions. Experimental studies and prediction algorithms are not available or were not evaluated, and the functional significance of this variant is currently unknown. In summary, the available evidence is currently insufficient to determine the role of this variant in disease. Therefore, it has been classified as a Variant of Uncertain Significance.

NM_001378120.1(MBD5):c.4254C>A (p.Phe1418Leu)

Gene: MBD5 (methyl-CpG binding domain protein 5; plus strand). Cytogenetic location: 2q23.1.
Variant type: single nucleotide variant.
Coding change: c.4254C>A on transcript NM_001378120.1 (MANE Select); coding-DNA position 4254, C replaced by A.
Protein change: p.Phe1418Leu; replaces phenylalanine 1418 with leucine.
Molecular consequence: missense variant.
Genome position (GRCh38, 1-based): chr2:148,489,886, C>A. VCF-style: chr2-148489886-C-A. GRCh37 (hg19) VCF-style: chr2-149247455-C-A.
Other names: c.3555C>A, p.Phe1185Leu (NM_018328.5); short protein forms F1418L, F1185L.
Identifiers: ClinVar variation 3722310 (VCV003722310.2).